The following is an entry in ClinVar:

ClinVar aggregate classification (germline): Uncertain significance. Review status: criteria provided, multiple submitters, no conflicts (2 of 4 stars). 3 submissions from 3 submitters: Uncertain significance (3). Last evaluated 2025-12-30.

Allele frequency attached by ClinVar (database versions not stated): gnomAD 0.00005 and 0.00007; TOPMed 0.00005; 1000 Genomes Project 30x 0.00016; ExAC 0.00016; gnomAD exomes 0.00017; 1000 Genomes Project 0.00020.
gnomAD v4.1: 183 of 1,583,120 alleles (0.012%); highest among the groups gnomAD compares: South Asian, 0.097%; 2 homozygotes.

Submissions (3):

Labcorp Genetics (formerly Invitae), Labcorp
Classification: Uncertain significance. Last evaluated: 2025-12-30. Review status: criteria provided, single submitter. Criteria: Invitae Variant Classification Sherloc (09022015). Collection method: clinical testing. Allele origin: germline.
Comment: This sequence change replaces valine, which is neutral and non-polar, with isoleucine, which is neutral and non-polar, at codon 82 of the OTULIN protein (p.Val82Ile). This variant is present in population databases (rs555528904, gnomAD 0.1%). This missense change has been observed in individual(s) with autoinflammatory disease (PMID: 35294702). ClinVar contains an entry for this variant (Variation ID: 1408579). Invitae Evidence Modeling of protein sequence and biophysical properties (such as structural, functional, and spatial information, amino acid conservation, physicochemical variation, residue mobility, and thermodynamic stability) indicates that this missense variant is not expected to disrupt OTULIN protein function with a negative predictive value of 80%. In summary, the available evidence is currently insufficient to determine the role of this variant in disease. Therefore, it has been classified as a Variant of Uncertain Significance.

Blueprint Genetics
Classification: Uncertain significance. Last evaluated: 2024-09-03. Review status: criteria provided, single submitter. Criteria: ACMG Guidelines, 2015. Collection method: clinical testing. Allele origin: germline.

Ambry Genetics
Classification: Uncertain significance. Last evaluated: 2021-08-16. Review status: criteria provided, single submitter. Criteria: Ambry Variant Classification Scheme 2023. Collection method: clinical testing. Allele origin: germline.

Literature cited by the submitters: PubMed 35294702 (cited by Labcorp Genetics (formerly Invitae), Labcorp).

NM_138348.6(OTULIN):c.244G>A (p.Val82Ile)

Gene: OTULIN (OTU deubiquitinase with linear linkage specificity; plus strand). Cytogenetic location: 5p15.2.
Variant type: single nucleotide variant.
Coding change: c.244G>A on transcript NM_138348.6 (MANE Select); coding-DNA position 244, G replaced by A.
Protein change: p.Val82Ile; replaces valine 82 with isoleucine.
Molecular consequence: missense variant.
Genome position (GRCh38, 1-based): chr5:14,678,695, G>A. VCF-style: chr5-14678695-G-A. GRCh37 (hg19) VCF-style: chr5-14678804-G-A.
Other names: c.244G>A (NM_138348.4); short protein forms V82I.
Identifiers: ClinVar variation 1408579 (VCV001408579.7), dbSNP rs555528904, ClinGen allele CA3208548.